The following is an entry in ClinVar:

ClinVar aggregate classification (germline): Uncertain significance (1 of 4 stars; one submission).

Conditions:
BLM-related disorder. Also called: BLM-related condition.

gnomAD v4.1: 1 of 1,606,456 alleles (0.000062%); highest among the groups gnomAD compares: Non-Finnish European, 0.000085%; no homozygotes.

Submission:

PreventionGenetics, part of Exact Sciences
Classification: Uncertain significance for BLM-related condition. Last evaluated: 2025-05-23. Review status: criteria provided, single submitter. Criteria: ACMG Guidelines, 2015. Collection method: clinical testing. Allele origin: germline.
Comment: The BLM c.3064A>G variant is predicted to result in the amino acid substitution p.Asn1022Asp. To our knowledge, this variant has not been reported in the literature or in a large population database (gnomAD), indicating this variant is rare. At this time, the clinical significance of this variant is uncertain due to the absence of conclusive functional and genetic evidence.

NM_000057.4(BLM):c.3064A>G (p.Asn1022Asp)

Gene: BLM (BLM RecQ like helicase; plus strand). Cytogenetic location: 15q26.1.
Variant type: single nucleotide variant.
Coding change: c.3064A>G on transcript NM_000057.4 (MANE Select); coding-DNA position 3064, A replaced by G.
Protein change: p.Asn1022Asp; replaces asparagine 1022 with aspartic acid.
Molecular consequence: missense variant.
Genome position (GRCh38, 1-based): chr15:90,794,211, A>G. VCF-style: chr15-90794211-A-G. GRCh37 (hg19) VCF-style: chr15-91337441-A-G.
Other names: c.3064A>G, p.Asn1022Asp (NM_001287246.2, NM_001287247.2); c.1939A>G, p.Asn647Asp (NM_001287248.2); short protein forms N647D, N1022D.
Identifiers: ClinVar variation 4998622 (VCV004998622.1).
Genomic context (GRCh38, chr15:90,794,211, plus strand): 5'-TCTTCATCTCTTTTAGTGGAAAAAGATGGAAACCATCATACAAGAGAAACTCACTTCAAT[A>G]ATTTGTATAGCATGGTACATTACTGTGAAAATATAACGGAATGCAGGAGAATACAGCTTT-3'
Protein context (NP_000048.1, residues 1012-1032): NHHTRETHFN[Asn1022Asp]LYSMVHYCEN